The following is an entry in ClinVar:

ClinVar aggregate classification (germline): Uncertain significance (1 of 4 stars; one submission).

Conditions:
Rhabdoid tumor predisposition syndrome 2 (RTPS2). Identifiers: Orphanet 231108, Orphanet 69077, MedGen C2750074, MONDO:0013224, OMIM 613325.

Submission:

Labcorp Genetics (formerly Invitae), Labcorp
Classification: Uncertain significance for Rhabdoid tumor predisposition syndrome 2. Last evaluated: 2020-10-19. Review status: criteria provided, single submitter. Criteria: Invitae Variant Classification Sherloc (09022015). Collection method: clinical testing. Allele origin: germline.
Comment: This variant has not been reported in the literature in individuals with SMARCA4-related conditions. In summary, the available evidence is currently insufficient to determine the role of this variant in disease. Therefore, it has been classified as a Variant of Uncertain Significance. Algorithms developed to predict the effect of missense changes on protein structure and function are either unavailable or do not agree on the potential impact of this missense change (SIFT: "Deleterious"; PolyPhen-2: "Benign"; Align-GVGD: "Class C65"). This variant is not present in population databases (ExAC no frequency). This sequence change replaces proline with arginine at codon 1488 of the SMARCA4 protein (p.Pro1488Arg). The proline residue is highly conserved and there is a moderate physicochemical difference between proline and arginine.

NM_003072.5(SMARCA4):c.4367C>G (p.Pro1456Arg)

Gene: SMARCA4 (SWI/SNF related BAF chromatin remodeling complex subunit ATPase 4; plus strand). Cytogenetic location: 19p13.2.
Variant type: single nucleotide variant.
Coding change: c.4367C>G on transcript NM_003072.5 (MANE Select); coding-DNA position 4367, C replaced by G.
Protein change: p.Pro1456Arg; replaces proline 1456 with arginine.
Molecular consequence: missense variant. On other transcripts: non-coding transcript variant (1).
Genome position (GRCh38, 1-based): chr19:11,041,503, C>G. VCF-style: chr19-11041503-C-G. GRCh37 (hg19) VCF-style: chr19-11152179-C-G.
Other names: c.4367C>G, p.Pro1456Arg (NM_001128844.3); c.4277C>G, p.Pro1426Arg (NM_001128845.2, NM_001128846.2); c.4268C>G, p.Pro1423Arg (NM_001128847.4, NM_001128848.2, NM_001374457.1); c.4463C>G, p.Pro1488Arg (NM_001128849.3); short protein forms P1423R, P1426R, P1456R, P1488R.
Identifiers: ClinVar variation 1001103 (VCV001001103.8), dbSNP rs2075611320, ClinGen allele CA404074018.